The following is an entry in ClinVar:

ClinVar aggregate classification (germline): Likely pathogenic (1 of 4 stars; one submission).

Allele frequency attached by ClinVar (database versions not stated): gnomAD exomes below 0.00001.

Submission:

GeneDx
Classification: Likely pathogenic. Last evaluated: 2018-05-04. Review status: criteria provided, single submitter. Criteria: GeneDx Variant Classification (06012015). Collection method: clinical testing. Allele origin: germline. Affected: yes.
Comment: The c.3445delC variant in the BLM gene has not been reported previously as a pathogenic variant nor as a benign variant, to our knowledge. The c.3445delC variant changes codon Leucine 1149to a premature Stop codon, denoted p.Leu1149Ter. This variant is predicted to cause loss of normal protein function either through protein truncation or nonsense-mediated mRNA decay. The c.3445delC variant is not observed in large population cohorts (Lek et al., 2016). We interpret c.3445delC as a likely pathogenic variant.

NM_000057.4(BLM):c.3445del (p.Lys1148_Leu1149insTer)

Gene: BLM (BLM RecQ like helicase; plus strand). Cytogenetic location: 15q26.1.
Variant type: Deletion.
Coding change: c.3445del on transcript NM_000057.4 (MANE Select); coding-DNA position 3445, one base deleted (C; older notation c.3445delC).
Protein change: p.Lys1148_Leu1149insTer.
Molecular consequence: nonsense. On other transcripts: intron variant (1).
Genome position (GRCh38, 1-based): chr15:90,803,607, C deleted. VCF-style (leftmost placement, unchanged base first): chr15-90803606-GC-G. GRCh37 (hg19) VCF-style: chr15-91346836-GC-G.
Other names: c.3445del (LRG_20t1); c.3445del, p.Lys1148_Leu1149insTer (NM_001287246.2); c.2320del, p.Lys773_Leu774insTer (NM_001287248.2); c.3358+5270del (NM_001287247.2).
Identifiers: ClinVar variation 546060 (VCV000546060.2), dbSNP rs1555424298, ClinGen allele CA658824102.
Genomic context (GRCh38, chr15:90,803,606, plus strand): 5'-AGGTATATTTGGAAAAGGATCTGCTTATTCACGACACAATGCCGAAAGACTTTTTAAAAA[GC>G]TGATACTTGACAAGATTTTGGATGAAGACTTATATATCAATGCCAATGACCAGGCGATCG-3'